The following is an entry in ClinVar:

ClinVar aggregate classification (germline): Uncertain significance (1 of 4 stars; one submission).

Submission:

GeneDx
Classification: Uncertain significance. Last evaluated: 2023-04-28. Review status: criteria provided, single submitter. Criteria: GeneDx Variant Classification Process June 2021. Collection method: clinical testing. Allele origin: germline. Affected: yes.
Comment: Not observed at significant frequency in large population cohorts (gnomAD); In silico analysis supports that this missense variant does not alter protein structure/function; Has not been previously published as pathogenic or benign to our knowledge

NM_001009999.3(KDM1A):c.671A>G (p.Gln224Arg)

Gene: KDM1A (lysine demethylase 1A; plus strand). Cytogenetic location: 1p36.12.
Variant type: single nucleotide variant.
Coding change: c.671A>G on transcript NM_001009999.3 (MANE Select); coding-DNA position 671, A replaced by G.
Protein change: p.Gln224Arg; replaces glutamine 224 with arginine.
Molecular consequence: missense variant.
Genome position (GRCh38, 1-based): chr1:23,050,480, A>G. VCF-style: chr1-23050480-A-G. GRCh37 (hg19) VCF-style: chr1-23376973-A-G.
Other names: c.611A>G, p.Gln204Arg (NM_001363654.2, NM_001410763.1, NM_015013.4); c.671A>G, p.Gln224Arg (NM_001410762.1); short protein forms Q204R, Q224R.
Identifiers: ClinVar variation 2663323 (VCV002663323.1), dbSNP rs2522663199, ClinGen allele CA338961070.